The following is an entry in ClinVar:

NM_018979.4(WNK1):c.6050C>T (p.Ala2017Val)

Gene: WNK1 (WNK lysine deficient protein kinase 1; plus strand). Cytogenetic location: 12p13.33.
Variant type: single nucleotide variant.
Coding change: c.6050C>T on transcript NM_018979.4 (MANE Select); coding-DNA position 6050, C replaced by T.
Protein change: p.Ala2017Val; replaces alanine 2017 with valine.
Molecular consequence: missense variant.
Genome position (GRCh38, 1-based): chr12:896,537, C>T. VCF-style: chr12-896537-C-T. GRCh37 (hg19) VCF-style: chr12-1005703-C-T.
Other names: c.6830C>T, p.Ala2277Val (NM_001184985.2); c.5306C>T, p.Ala1769Val (NM_014823.3); c.6806C>T, p.Ala2269Val (NM_213655.5); short protein forms A1769V, A2277V, A2269V, A2017V.
Identifiers: ClinVar variation 1028134 (VCV001028134.2), dbSNP rs1954746060, ClinGen allele CA383336278.
Genomic context (GRCh38, chr12:896,537, plus strand): 5'-AGAAGCCTGAACTGTCAGAGCCTTCACATCTAAATGGGCCGTCTTCTGACCCGGAGGCCG[C>T]TTTTTTAAGTAGGGATGTGGATGATGGTTCCGGTAGTCCACACTCGCCCCATCAGCTGAG-3'
Protein context (NP_061852.3, residues 2007-2027): LNGPSSDPEA[Ala2017Val]FLSRDVDDGS

ClinVar aggregate classification (germline): Uncertain significance. Review status: criteria provided, multiple submitters, no conflicts (2 of 4 stars). 2 submissions from 2 submitters: Uncertain significance (2). Last evaluated 2024-03-18.

Conditions:
Pseudohypoaldosteronism type 2C (PHA2C). Also called: Pseudohypoaldosteronism Type IIC. Identifiers: Orphanet 757, Orphanet 88940, MedGen C1840391, MONDO:0013778, OMIM 614492.
Neuropathy, hereditary sensory and autonomic, type 2A (HSAN2A). Also called: ACROOSTEOLYSIS, GIACCAI TYPE; ACROOSTEOLYSIS, NEUROGENIC; MORVAN DISEASE; NEUROPATHY, CONGENITAL SENSORY; NEUROPATHY, HEREDITARY SENSORY RADICULAR, AUTOSOMAL RECESSIVE; NEUROPATHY, HEREDITARY SENSORY, TYPE IIA. Identifiers: Orphanet 970, MedGen C2752089, MONDO:0024309, OMIM 201300.

Submissions (2):

Fulgent Genetics
Classification: Uncertain significance for Neuropathy, hereditary sensory and autonomic, type 2A; Pseudohypoaldosteronism type 2C. Last evaluated: 2024-03-18. Review status: criteria provided, single submitter. Criteria: ACMG Guidelines, 2015. Collection method: clinical testing. Allele origin: germline.

Baylor Genetics
Classification: Uncertain significance for Pseudohypoaldosteronism type 2C. Last evaluated: 2019-07-01. Review status: criteria provided, single submitter. Criteria: ACMG Guidelines, 2015. Collection method: clinical testing. Allele origin: unknown. Affected: yes.
Comment: This variant was determined to be of uncertain significance according to ACMG Guidelines, 2015 [PMID:25741868].